The following is an entry in ClinVar:

ClinVar aggregate classification (germline): Uncertain significance. Review status: criteria provided, multiple submitters, no conflicts (2 of 4 stars). 2 submissions from 2 submitters: Uncertain significance (2). Last evaluated 2025-01-27.

Conditions:
Autosomal recessive severe congenital neutropenia due to G6PC3 deficiency. Also called: NEUTROPENIA, SEVERE CONGENITAL, 4, AUTOSOMAL RECESSIVE; G6PC3 Deficiency. Identifiers: Orphanet 331176, MedGen C2751630, MONDO:0012930, OMIM 612541.
Inborn genetic diseases. Identifiers: MedGen C0950123, MeSH D030342.

Allele frequency attached by ClinVar (database versions not stated): gnomAD exomes 0.00001.
gnomAD v4.1: 11 of 1,614,206 alleles (0.00068%); highest among the groups gnomAD compares: South Asian, 0.0077%; no homozygotes.

Submissions (2):

Ambry Genetics
Classification: Uncertain significance for Inborn genetic diseases. Last evaluated: 2025-01-27. Review status: criteria provided, single submitter. Criteria: Ambry Variant Classification Scheme 2023. Collection method: clinical testing. Allele origin: germline.
Comment: The p.T187I variant (also known as c.560C>T), located in coding exon 5 of the G6PC3 gene, results from a C to T substitution at nucleotide position 560. The threonine at codon 187 is replaced by isoleucine, an amino acid with similar properties. This amino acid position is conserved. In addition, this alteration is predicted to be tolerated by in silico analysis. Based on the available evidence, the clinical significance of this variant remains unclear.

Labcorp Genetics (formerly Invitae), Labcorp
Classification: Uncertain significance for Autosomal recessive severe congenital neutropenia due to G6PC3 deficiency. Last evaluated: 2022-01-12. Review status: criteria provided, single submitter. Criteria: Invitae Variant Classification Sherloc (09022015). Collection method: clinical testing. Allele origin: germline.
Comment: This sequence change replaces threonine, which is neutral and polar, with isoleucine, which is neutral and non-polar, at codon 187 of the G6PC3 protein (p.Thr187Ile). This variant is present in population databases (no rsID available, gnomAD 0.003%). This variant has not been reported in the literature in individuals affected with G6PC3-related conditions. Algorithms developed to predict the effect of missense changes on protein structure and function (SIFT, PolyPhen-2, Align-GVGD) all suggest that this variant is likely to be tolerated. In summary, the available evidence is currently insufficient to determine the role of this variant in disease. Therefore, it has been classified as a Variant of Uncertain Significance.

NM_138387.4(G6PC3):c.560C>T (p.Thr187Ile)

Gene: G6PC3 (glucose-6-phosphatase catalytic subunit 3; plus strand). Cytogenetic location: 17q21.31.
Variant type: single nucleotide variant.
Coding change: c.560C>T on transcript NM_138387.4 (MANE Select); coding-DNA position 560, C replaced by T.
Protein change: p.Thr187Ile; replaces threonine 187 with isoleucine.
Molecular consequence: missense variant. On other transcripts: synonymous variant (1).
Genome position (GRCh38, 1-based): chr17:44,075,334, C>T. VCF-style: chr17-44075334-C-T. GRCh37 (hg19) VCF-style: chr17-42152702-C-T.
Other names: c.441C>T, p.Asp147= (NM_001319945.2); c.215C>T, p.Thr72Ile (NM_001384165.1, NM_001384166.1, NM_001384167.1 and 1 more transcripts); short protein forms T187I, T72I.
Identifiers: ClinVar variation 2162374 (VCV002162374.2), dbSNP rs1158573798, ClinGen allele CA399727429.